The following is an entry in ClinVar:

NM_001378120.1(MBD5):c.761A>G (p.Asn254Ser)

Gene: MBD5 (methyl-CpG binding domain protein 5; plus strand). Cytogenetic location: 2q23.1.
Variant type: single nucleotide variant.
Coding change: c.761A>G on transcript NM_001378120.1 (MANE Select); coding-DNA position 761, A replaced by G.
Protein change: p.Asn254Ser; replaces asparagine 254 with serine.
Molecular consequence: missense variant.
Genome position (GRCh38, 1-based): chr2:148,468,704, A>G. VCF-style: chr2-148468704-A-G. GRCh37 (hg19) VCF-style: chr2-149226273-A-G.
Other names: c.761A>G, p.Asn254Ser (NM_018328.5); short protein forms N254S.
Identifiers: ClinVar variation 3692864 (VCV003692864.2).

ClinVar aggregate classification (germline): Uncertain significance (1 of 4 stars; one submission).

Conditions:
Intellectual developmental disorder, autosomal dominant 1. Also called: MBD5 Haploinsufficiency; Intellectual disability, autosomal dominant 1. Identifiers: Orphanet 228402, MedGen C1969562, MONDO:0007974, OMIM 156200.

gnomAD v4.1: 13 of 1,613,714 alleles (0.00081%); highest among the groups gnomAD compares: Admixed American, 0.0017%; no homozygotes.

Submission:

Labcorp Genetics (formerly Invitae), Labcorp
Classification: Uncertain significance for Intellectual developmental disorder, autosomal dominant 1. Last evaluated: 2024-04-10. Review status: criteria provided, single submitter. Criteria: Invitae Variant Classification Sherloc (09022015). Collection method: clinical testing. Allele origin: germline.
Comment: This sequence change replaces asparagine, which is neutral and polar, with serine, which is neutral and polar, at codon 254 of the MBD5 protein (p.Asn254Ser). This variant is not present in population databases (gnomAD no frequency). This variant has not been reported in the literature in individuals affected with MBD5-related conditions. Advanced modeling of protein sequence and biophysical properties (such as structural, functional, and spatial information, amino acid conservation, physicochemical variation, residue mobility, and thermodynamic stability) performed at Invitae indicates that this missense variant is not expected to disrupt MBD5 protein function with a negative predictive value of 80%. In summary, the available evidence is currently insufficient to determine the role of this variant in disease. Therefore, it has been classified as a Variant of Uncertain Significance.